The following is an entry in ClinVar:

ClinVar aggregate classification (germline): Uncertain significance. Review status: reviewed by expert panel (3 of 4 stars). 3 submissions from 3 submitters: Uncertain significance (1). 2 of the submissions do not count toward it. Last evaluated 2025-05-02.

Conditions:
Hereditary thrombocytopenia and hematologic cancer predisposition syndrome. Identifiers: Orphanet 71290, MedGen CN281654, MONDO:0011071.
Inborn genetic diseases. Identifiers: MedGen C0950123, MeSH D030342.
Hereditary thrombocytopenia and hematological cancer predisposition syndrome associated with RUNX1. Also called: PLATELET DISORDER, ASPIRIN-LIKE; Familial Platelet Disorder with Propensity to Acute Myelogenous Leukemia; Familial thrombocytopenia with propensity to acute myelogenous leukemia; RUNX1 Familial Platelet Disorder with Associated Myeloid Malignancies. Identifiers: Orphanet 71290, MedGen C1832388, MeSH C563324, MONDO:0100083, OMIM 601399.

Allele frequency attached by ClinVar (database versions not stated): ExAC 0.00010.
gnomAD v4.1: 1 of 1,540,200 alleles (0.000065%); highest among the groups gnomAD compares: South Asian, 0.0012%; no homozygotes.

Submissions (3):

ClinGen Myeloid Malignancy Variant Curation Expert Panel
Classification: Uncertain significance for Hereditary thrombocytopenia and hematologic cancer predisposition syndrome. Last evaluated: 2025-05-02. Review status: reviewed by expert panel. Criteria: ClinGen MyeloMalig ACMG Specifications v2. Collection method: curation. Allele origin: germline. Inheritance: Autosomal dominant inheritance.
Comment: NM_001754.5(RUNX1):c.1353C>G (p.Asp451Glu) is a missense variant which has a REVEL score of 0.106 and a SpliceAI score indicating no predicted impact on splicing, suggesting no damaging effect on RUNX1 function (BP4). The highest population minor allele frequency in gnomAD v2 is 0.00004406 (1/22696 alleles) in the South Asian population, and the variant has not been reported in the literature. In summary, the clinical significance of this variant is uncertain. ACMG/AMP criteria applied, as specified by the Myeloid Malignancy Variant Curation Expert Panel for RUNX1: BP4.

Ambry Genetics
Classification: Uncertain significance for Inborn genetic diseases. Last evaluated: 2026-03-23. Review status: criteria provided, single submitter. Criteria: Ambry Variant Classification Scheme 2023. Collection method: clinical testing. Allele origin: germline. Not counted in ClinVar's aggregate classification.
Comment: The p.D451E variant (also known as c.1353C>G), located in coding exon 8 of the RUNX1 gene, results from a C to G substitution at nucleotide position 1353. The aspartic acid at codon 451 is replaced by glutamic acid, an amino acid with highly similar properties. This amino acid position is conserved. In addition, this alteration is predicted to be tolerated by in silico analysis. Based on the available evidence, the clinical significance of this variant remains unclear.

Labcorp Genetics (formerly Invitae), Labcorp
Classification: Uncertain significance for Hereditary thrombocytopenia and hematological cancer predisposition syndrome associated with RUNX1. Last evaluated: 2022-09-21. Review status: criteria provided, single submitter. Criteria: Invitae Variant Classification Sherloc (09022015). Collection method: clinical testing. Allele origin: germline. Not counted in ClinVar's aggregate classification.
Comment: In summary, the available evidence is currently insufficient to determine the role of this variant in disease. Therefore, it has been classified as a Variant of Uncertain Significance. Advanced modeling of protein sequence and biophysical properties (such as structural, functional, and spatial information, amino acid conservation, physicochemical variation, residue mobility, and thermodynamic stability) performed at Invitae indicates that this missense variant is not expected to disrupt RUNX1 protein function. This variant has not been reported in the literature in individuals affected with RUNX1-related conditions. This variant is not present in population databases (gnomAD no frequency). This sequence change replaces aspartic acid, which is acidic and polar, with glutamic acid, which is acidic and polar, at codon 451 of the RUNX1 protein (p.Asp451Glu).

NM_001754.5(RUNX1):c.1353C>G (p.Asp451Glu)

Gene: RUNX1 (RUNX family transcription factor 1; minus strand). Cytogenetic location: 21q22.12.
Variant type: single nucleotide variant.
Coding change: c.1353C>G on transcript NM_001754.5 (MANE Select); coding-DNA position 1353, C replaced by G.
Protein change: p.Asp451Glu; replaces aspartic acid 451 with glutamic acid.
Molecular consequence: missense variant.
Genome position (GRCh38, 1-based): chr21:34,792,225, G>C on the plus strand (C>G on the coding strand, the complement: RUNX1 is on the minus strand). VCF-style: chr21-34792225-G-C. GRCh37 (hg19) VCF-style: chr21-36164522-G-C.
Other names: NM_001754.5(RUNX1):c.1353C>G; p.Asp451Glu; c.1272C>G, p.Asp424Glu (NM_001001890.3); short protein forms D424E, D451E.
Identifiers: ClinVar variation 2061265 (VCV002061265.7), dbSNP rs755054505, ClinGen allele CA10014182.